The following is an entry in ClinVar:

ClinVar aggregate classification (germline): Uncertain significance. Review status: criteria provided, multiple submitters, no conflicts (2 of 4 stars). 2 submissions from 2 submitters: Uncertain significance (2). Last evaluated 2025-04-23.

Conditions:
Inborn genetic diseases. Identifiers: MedGen C0950123, MeSH D030342.

Submissions (2):

GeneDx
Classification: Uncertain significance. Last evaluated: 2025-04-23. Review status: criteria provided, single submitter. Criteria: GeneDx Variant Classification Process June 2021. Collection method: clinical testing. Allele origin: germline. Affected: yes.
Comment: Not observed at significant frequency in large population cohorts (gnomAD); Intronic +5 splice site variant in a gene for which loss of function is a known mechanism of disease, and both splice predictors and evolutionary conservation support a deleterious effect, although in the absence of functional evidence the actual effect of this sequence change is unknown.; Has not been previously published as pathogenic or benign to our knowledge

Ambry Genetics
Classification: Uncertain significance for Inborn genetic diseases. Last evaluated: 2025-02-03. Review status: criteria provided, single submitter. Criteria: Ambry Variant Classification Scheme 2023. Collection method: clinical testing. Allele origin: germline.
Comment: The c.84+5G>A intronic alteration results from a G to A substitution 5 nucleotides after coding exon one of the MSTO1gene. This variant was not reported in population-based cohorts in the Genome Aggregation Database (gnomAD). This nucleotide position is well conserved in available vertebrate species. In silico splice site analysis predicts that this alteration will weaken the native splice donor site. Based on insufficient or conflicting evidence, the clinical significance of this alteration remains unclear.

NM_018116.4(MSTO1):c.84+5G>A

Gene: MSTO1 (misato mitochondrial distribution and morphology regulator 1; plus strand). Cytogenetic location: 1q22.
Variant type: single nucleotide variant.
Coding change: c.84+5G>A on transcript NM_018116.4 (MANE Select); 5 bases into the intron after coding-DNA position 84, G replaced by A.
Molecular consequence: intron variant. On other transcripts: 5 prime UTR variant (2), non-coding transcript variant (1).
Genome position (GRCh38, 1-based): chr1:155,610,337, G>A. VCF-style: chr1-155610337-G-A. GRCh37 (hg19) VCF-style: chr1-155580128-G-A.
Other names: c.-473G>A (NM_001350779.1); c.-522G>A (NM_001350784.1); c.-987+5G>A (NM_001350785.1); c.-990+5G>A (NM_001350781.1); c.-537+5G>A (NM_001350778.1); c.-586+5G>A (NM_001350789.1); c.-515+5G>A (NM_001350786.1, NM_001350788.1, NM_001350782.1 and 1 more transcripts); c.-589+5G>A (NM_001350780.1); and 4 more.
Identifiers: ClinVar variation 3875202 (VCV003875202.2).